The following is an entry in ClinVar:

NM_000016.6(ACADM):c.118G>T (p.Glu40Ter)

Gene: ACADM (acyl-CoA dehydrogenase medium chain; plus strand). Cytogenetic location: 1p31.1.
Variant type: single nucleotide variant.
Coding change: c.118G>T on transcript NM_000016.6 (MANE Select); coding-DNA position 118, G replaced by T.
Protein change: p.Glu40Ter; replaces glutamic acid 40 with a stop codon.
Molecular consequence: nonsense. On other transcripts: intron variant (2).
Genome position (GRCh38, 1-based): chr1:75,728,488, G>T. VCF-style: chr1-75728488-G-T. GRCh37 (hg19) VCF-style: chr1-76194173-G-T.
Other names: c.130G>T, p.Glu44Ter (NM_001127328.3); c.118G>T, p.Glu40Ter (NM_001286043.2); c.10+3671G>T (NM_001286042.2); c.-268+3671G>T (NM_001286044.2); short protein forms E40*, E44*.
Identifiers: ClinVar variation 3587746 (VCV003587746.2).
Genomic context (GRCh38, chr1:75,728,488, plus strand): 5'-TGGAGATCACAGCATACAAAAGCCAATCGACAACGTGAACCAGGATTAGGATTTAGTTTT[G>T]GTATATGTTCGGTTCTATCTTTTGACTTTAAACTTATACATATGAAGCTTTATATGTTTT-3'

ClinVar aggregate classification (germline): Likely pathogenic. Review status: criteria provided, multiple submitters, no conflicts (2 of 4 stars). 2 submissions from 2 submitters: Likely pathogenic (2). Last evaluated 2025-11-24.

Conditions:
Medium-chain acyl-coenzyme A dehydrogenase deficiency (ACADMD). Also called: Medium chain acyl-CoA dehydrogenase deficiency; CARNITINE DEFICIENCY SECONDARY TO MEDIUM-CHAIN ACYL-CoA DEHYDROGENASE DEFICIENCY; MCADH DEFICIENCY; MCADD; ACADM DEFICIENCY; MCAD Deficiency. Identifiers: Orphanet 42, MedGen C0220710, MONDO:0008721, OMIM 201450.

gnomAD v4.1: 1 of 1,608,572 alleles (0.000062%); highest among the groups gnomAD compares: South Asian, 0.0011%; no homozygotes.

Submissions (2):

Natera, Inc.
Classification: Likely pathogenic for Medium Chain Acyl-CoA Dehydrogenase Deficiency. Last evaluated: 2025-11-24. Review status: criteria provided, single submitter. Criteria: Natera Variant Classification Schema (03/2026). Collection method: clinical testing. Allele origin: germline.
Comment: The c.118G>T variant in ACADM is a nonsense variant predicted to introduce a stop codon at amino acid 40. This variant is expected to result in nonsense mediated decay, truncation, or a dysfunctional protein product. This variant is rare in the general population with a frequency below the threshold expected for the associated phenotype(s). Given the available evidence, this variant is classified as Likely Pathogenic.

Fulgent Genetics
Classification: Likely pathogenic for Medium-chain acyl-coenzyme A dehydrogenase deficiency. Last evaluated: 2024-03-23. Review status: criteria provided, single submitter. Criteria: ACMG Guidelines, 2015. Collection method: clinical testing. Allele origin: germline.